The following is an entry in ClinVar:

ClinVar aggregate classification (germline): Uncertain significance (1 of 4 stars; one submission).

Conditions:
Cortical dysplasia-focal epilepsy syndrome (PTHSL1). Also called: Pitt-Hopkins-like syndrome 1. Identifiers: Orphanet 163681, Orphanet 221150, MedGen C2750246, MONDO:0012400, OMIM 610042.

Submission:

Labcorp Genetics (formerly Invitae), Labcorp
Classification: Uncertain significance for Cortical dysplasia-focal epilepsy syndrome. Last evaluated: 2022-09-01. Review status: criteria provided, single submitter. Criteria: Invitae Variant Classification Sherloc (09022015). Collection method: clinical testing. Allele origin: germline.
Comment: In summary, the available evidence is currently insufficient to determine the role of this variant in disease. Therefore, it has been classified as a Variant of Uncertain Significance. This variant, c.3940_3942del, results in the deletion of 1 amino acid(s) of the CNTNAP2 protein (p.Asn1314del), but otherwise preserves the integrity of the reading frame. This variant is not present in population databases (gnomAD no frequency). This variant has not been reported in the literature in individuals affected with CNTNAP2-related conditions. Experimental studies and prediction algorithms are not available or were not evaluated, and the functional significance of this variant is currently unknown.

NM_014141.6(CNTNAP2):c.3937AAC[1] (p.Asn1314del)

Gene: CNTNAP2 (contactin associated protein 2; plus strand). Cytogenetic location: 7q36.1.
Variant type: Microsatellite.
Coding change: c.3937AAC[1] on transcript NM_014141.6 (MANE Select); one copy of the 3-base unit AAC starting at c.3937; the reference has two copies in a row; one copy, 3 bases deleted.
Protein change: p.Asn1314del; deletes asparagine 1314.
Molecular consequence: inframe deletion.
Genome position (GRCh38, 1-based): chr7:148,415,560-148,415,562, AAC deleted; deleting any 3 consecutive bases within chr7:148,415,557-148,415,562 gives the same sequence; the position shown is the placement nearest the transcript's 3' end. VCF-style (leftmost placement, unchanged base first): chr7-148415556-GAAC-G. GRCh37 (hg19) VCF-style: chr7-148112648-GAAC-G.
Other names: short protein forms N1314del.
Identifiers: ClinVar variation 1377394 (VCV001377394.6), dbSNP rs1799965605, ClinGen allele CA1751242092.
Genomic context (GRCh38, chr7:148,415,556, plus strand): 5'-CTACCATACCAACGAAGCAAAGGGGGCGGAGTCGGCAGAGAGCGCGGACGCCGCCATCAT[GAAC>G]AACGACCCCAACTTCACAGAGACCATTGATGAAAGCAAAAAGGAATGGCTCATTTGAGGG-3'